The following is an entry in ClinVar:

NM_016156.6(MTMR2):c.1221G>C (p.Glu407Asp)

Gene: MTMR2 (myotubularin related protein 2; minus strand). Cytogenetic location: 11q21.
Variant type: single nucleotide variant.
Coding change: c.1221G>C on transcript NM_016156.6 (MANE Select); coding-DNA position 1221, G replaced by C.
Protein change: p.Glu407Asp; replaces glutamic acid 407 with aspartic acid.
Molecular consequence: missense variant.
Genome position (GRCh38, 1-based): chr11:95,845,118, C>G on the plus strand (G>C on the coding strand, the complement: MTMR2 is on the minus strand). VCF-style: chr11-95845118-C-G. GRCh37 (hg19) VCF-style: chr11-95578282-C-G.
Other names: c.1005G>C, p.Glu335Asp (NM_201278.3, NM_201281.3, NM_001243571.2); short protein forms E407D, E335D.
Identifiers: ClinVar variation 2065557 (VCV002065557.4), dbSNP rs972571750, ClinGen allele CA226599193.

ClinVar aggregate classification (germline): Uncertain significance (1 of 4 stars; one submission).

Conditions:
Charcot-Marie-Tooth disease type 4. Also called: Charcot-Marie-Tooth, Type 4; Charcot-Marie-Tooth disease, type IV. Identifiers: Orphanet 64749, MedGen C4082197, MONDO:0018995.

Allele frequency attached by ClinVar (database versions not stated): gnomAD exomes below 0.00001; TOPMed 0.00001; gnomAD 0.00001.
gnomAD v4.1: 3 of 1,613,844 alleles (0.00019%); highest among the groups gnomAD compares: African/African-American, 0.004%; no homozygotes.

Submission:

Labcorp Genetics (formerly Invitae), Labcorp
Classification: Uncertain significance for Charcot-Marie-Tooth disease type 4. Last evaluated: 2022-02-10. Review status: criteria provided, single submitter. Criteria: Invitae Variant Classification Sherloc (09022015). Collection method: clinical testing. Allele origin: germline.
Comment: This sequence change replaces glutamic acid, which is acidic and polar, with aspartic acid, which is acidic and polar, at codon 407 of the MTMR2 protein (p.Glu407Asp). This variant is present in population databases (no rsID available, gnomAD 0.01%). This variant has not been reported in the literature in individuals affected with MTMR2-related conditions. Advanced modeling of protein sequence and biophysical properties (such as structural, functional, and spatial information, amino acid conservation, physicochemical variation, residue mobility, and thermodynamic stability) performed at Invitae indicates that this missense variant is not expected to disrupt MTMR2 protein function. In summary, the available evidence is currently insufficient to determine the role of this variant in disease. Therefore, it has been classified as a Variant of Uncertain Significance.